The following is an entry in ClinVar:

ClinVar aggregate classification (germline): Pathogenic. Review status: criteria provided, multiple submitters, no conflicts (2 of 4 stars). 2 submissions from 2 submitters: Pathogenic (2). Last evaluated 2026-07-22.

Conditions:
Hereditary cancer-predisposing syndrome. Also called: Neoplastic Syndromes, Hereditary; Hereditary Cancer Syndrome; Tumor predisposition; Hereditary neoplastic syndrome. Identifiers: Orphanet 140162, MedGen C0027672, MeSH D009386, MONDO:0015356.

Submissions (2):

Ambry Genetics
Classification: Pathogenic for Hereditary cancer-predisposing syndrome. Last evaluated: 2026-07-22. Review status: criteria provided, single submitter. Criteria: Ambry Variant Classification Scheme 2023. Collection method: clinical testing. Allele origin: germline.
Comment: The c.2092delC pathogenic mutation, located in coding exon 4 of the MSH6 gene, results from a deletion of one nucleotide at nucleotide position 2092, causing a translational frameshift with a predicted alternate stop codon (p.Q698Rfs*38). This variant is considered to be rare based on population cohorts in the Genome Aggregation Database (gnomAD). This alteration is expected to result in loss of function by premature protein truncation or nonsense-mediated mRNA decay. As such, this alteration is interpreted as a disease-causing mutation.

Color Diagnostics, LLC DBA Color Health
Classification: Pathogenic for Hereditary cancer-predisposing syndrome. Last evaluated: 2020-01-15. Review status: criteria provided, single submitter. Criteria: ACMG Guidelines, 2015. Collection method: clinical testing. Allele origin: germline.
Comment: This variant deletes 1 nucleotide in exon 4 of the MSH6 gene, creating a frameshift and premature translation stop signal. This variant is expected to result in an absent or non-functional protein product. This variant has not been identified in the general population by the Genome Aggregation Database (gnomAD). Loss of MSH6 function is a known mechanism of disease. Based on the available evidence, this variant is classified as Pathogenic.

NM_000179.3(MSH6):c.2092del (p.Gln698fs)

Gene: MSH6 (mutS homolog 6; plus strand). Cytogenetic location: 2p16.3.
Variant type: Deletion.
Coding change: c.2092del on transcript NM_000179.3 (MANE Select); coding-DNA position 2092, one base deleted (C; older notation c.2092delC).
Protein change: p.Gln698fs; shifts the reading frame from glutamine 698.
Molecular consequence: frameshift variant.
Genome position (GRCh38, 1-based): chr2:47,800,075, C deleted. VCF-style (leftmost placement, unchanged base first): chr2-47800074-TC-T. GRCh37 (hg19) VCF-style: chr2-48027213-TC-T.
Other names: c.1702del, p.Gln568fs (NM_001281492.2); c.1186del, p.Gln396fs (NM_001281493.2, NM_001281494.2); c.2092delC (NM_000179.2); short protein forms Q568fs, Q698fs, Q396fs.
Identifiers: ClinVar variation 922360 (VCV000922360.6), dbSNP rs1669419578, ClinGen allele CA913188054.
Genomic context (GRCh38, chr2:47,800,074, plus strand): 5'-TGAATTGGCCCTCTCTGCTCTAGGTGGTTGTGTCTTCTACCTCAAAAAATGCCTTATTGA[TC>T]AGGAGCTTTTATCAATGGCTAATTTTGAAGAATATATTCCCTTGGATTCTGACACAGTCA-3'